The following is an entry in ClinVar:

ClinVar aggregate classification (germline): Uncertain significance (1 of 4 stars; one submission).

Submission:

Labcorp Genetics (formerly Invitae), Labcorp
Classification: Uncertain significance. Last evaluated: 2024-05-22. Review status: criteria provided, single submitter. Criteria: Invitae Variant Classification Sherloc (09022015). Collection method: clinical testing. Allele origin: germline.
Comment: This sequence change results in a frameshift in the NDUFB10 gene (p.Asn114Lysfs*73). While this is not anticipated to result in nonsense mediated decay, it is expected to disrupt the last 59 amino acid(s) of the NDUFB10 protein and extend the protein by 13 additional amino acid residues. This variant is not present in population databases (gnomAD no frequency). This variant has not been reported in the literature in individuals affected with NDUFB10-related conditions. ClinVar contains an entry for this variant (Variation ID: 2110966). Experimental studies and prediction algorithms are not available or were not evaluated, and the functional significance of this variant is currently unknown. In summary, the available evidence is currently insufficient to determine the role of this variant in disease. Therefore, it has been classified as a Variant of Uncertain Significance.

NM_004548.3(NDUFB10):c.341dup (p.Asn114fs)

Genes: NDUFB10 (NADH:ubiquinone oxidoreductase subunit B10; plus strand), LOC130058198 (ATAC-STARR-seq lymphoblastoid active region 10241; plus strand). Cytogenetic location: 16p13.3.
Variant type: Duplication.
Coding change: c.341dup on transcript NM_004548.3 (MANE Select); coding-DNA position 341, one base duplicated (A; older notation c.341dupA).
Protein change: p.Asn114fs; shifts the reading frame from asparagine 114.
Molecular consequence: frameshift variant.
Genome position (GRCh38, 1-based): chr16:1,961,568, A duplicated; the last of 2 consecutive A bases (chr16:1,961,567-1,961,568); duplicating either gives the same sequence. VCF-style (leftmost placement, unchanged base first): chr16-1961566-G-GA. GRCh37 (hg19) VCF-style: chr16-2011567-G-GA.
Other names: short protein forms N114fs.
Identifiers: ClinVar variation 2110966 (VCV002110966.4), dbSNP rs2548244516, ClinGen allele CA2580090487.